The following is an entry in ClinVar:

ClinVar aggregate classification (germline): Likely benign. Review status: criteria provided, multiple submitters, no conflicts (2 of 4 stars). 5 submissions from 5 submitters: Likely benign (4). 1 of the submissions does not count toward it. Last evaluated 2024-11-21.

Conditions:
PTPN14-related disorder. Also called: PTPN14-related condition.

Allele frequency attached by ClinVar (database versions not stated): 1000 Genomes Project 0.00160; 1000 Genomes Project 30x 0.00219; gnomAD 0.00231 and 0.00237; ExAC 0.00237; gnomAD exomes 0.00248 and 0.00355; TOPMed 0.00280; ESP Exome Variant Server 0.00323.

Submissions (5):

Blueprint Genetics
Classification: Likely benign. Last evaluated: 2024-11-21. Review status: criteria provided, single submitter. Criteria: ACMG Guidelines, 2015. Collection method: clinical testing. Allele origin: germline.

CeGaT Center for Human Genetics Tuebingen
Classification: Likely benign. Last evaluated: 2023-10-01. Review status: criteria provided, single submitter. Criteria: CeGaT Center For Human Genetics Tuebingen Variant Classification Criteria Version 2. Collection method: clinical testing. Allele origin: germline. Affected: yes. Observed: 3 variant alleles.
Comment: PTPN14: BP4

Labcorp Genetics (formerly Invitae), Labcorp
Classification: Likely benign. Last evaluated: 2019-12-31. Review status: criteria provided, single submitter. Criteria: Invitae Variant Classification Sherloc (09022015). Collection method: clinical testing. Allele origin: germline.

Breakthrough Genomics
Classification: Likely benign. Review status: criteria provided, single submitter. Criteria: ACMG Guidelines, 2015. Collection method: not provided. Allele origin: germline. Inheritance: Autosomal recessive inheritance. Affected: yes.

PreventionGenetics, part of Exact Sciences
Classification: Likely benign for PTPN14-related condition. Last evaluated: 2023-06-16. Review status: no assertion criteria provided. Collection method: clinical testing. Allele origin: germline. Not counted in ClinVar's aggregate classification.
Comment: This variant is classified as likely benign based on ACMG/AMP sequence variant interpretation guidelines (Richards et al. 2015 PMID: 25741868, with internal and published modifications).

NM_005401.5(PTPN14):c.2002C>T (p.Arg668Cys)

Gene: PTPN14 (protein tyrosine phosphatase non-receptor type 14; minus strand). Cytogenetic location: 1q32.3.
Variant type: single nucleotide variant.
Coding change: c.2002C>T on transcript NM_005401.5 (MANE Select); coding-DNA position 2002, C replaced by T.
Protein change: p.Arg668Cys; replaces arginine 668 with cysteine.
Molecular consequence: missense variant.
Genome position (GRCh38, 1-based): chr1:214,383,853, G>A on the plus strand (C>T on the coding strand, the complement: PTPN14 is on the minus strand). VCF-style: chr1-214383853-G-A. GRCh37 (hg19) VCF-style: chr1-214557196-G-A.
Other names: short protein forms R668C.
Identifiers: ClinVar variation 718897 (VCV000718897.31), dbSNP rs61749334, ClinGen allele CA1388963.
Genomic context (GRCh38, chr1:214,383,853, plus strand): 5'-GGGGGACCTCGTGGCTGCCTGACCCCTCCTCGGGCGGTCCCTGCTCCCGGAGCGTGTTGC[G>A]GCGAGCCATGGGGAGGTGGAGCGACTTGAGCGTCATGGCCTCCATGCCCCGCACCATGCT-3'
Protein context (NP_005392.2, residues 658-678): LKSLHLPMAR[Arg668Cys]NTLREQGPPE